The following is an entry in ClinVar:

NM_001733.7(C1R):c.152_153del (p.Pro51fs)

Gene: C1R (complement C1r; minus strand). Cytogenetic location: 12p13.31.
Variant type: Deletion.
Coding change: c.152_153del on transcript NM_001733.7 (MANE Select); coding-DNA positions 152 to 153, 2 bases deleted (CC; older notation c.152_153delCC).
Protein change: p.Pro51fs; shifts the reading frame from proline 51.
Molecular consequence: frameshift variant.
Genome position (GRCh38, 1-based): chr12:7,091,530-7,091,531, GG deleted on the plus strand (CC on the coding strand, the reverse complement: C1R is on the minus strand); deleting any 2 consecutive bases within chr12:7,091,530-7,091,533 gives the same sequence; the c. name uses the placement nearest the transcript's 3' end. VCF-style (leftmost placement, unchanged base first): chr12-7091529-TGG-T. GRCh37 (hg19) VCF-style: chr12-7244125-TGG-T.
Other names: c.194_195del, p.Pro65fs (NM_001354346.2); short protein forms P51fs, P65fs.
Identifiers: ClinVar variation 4979467 (VCV004979467.1).

ClinVar aggregate classification (germline): Uncertain significance (1 of 4 stars; one submission).

Conditions:
C1R-related disorder. Also called: C1R-related condition.

Submission:

PreventionGenetics, part of Exact Sciences
Classification: Uncertain significance for C1R-related condition. Last evaluated: 2025-02-25. Review status: criteria provided, single submitter. Criteria: ACMG Guidelines, 2015. Collection method: clinical testing. Allele origin: germline.
Comment: The C1R c.152_153delCC variant is predicted to result in a frameshift and premature protein termination (p.Pro51Hisfs*13). To our knowledge, this variant has not been reported in the literature. This variant is reported in 0.015% of alleles in individuals of Latino descent in gnomAD. Loss-of-function is currently not an established disease-causing mechanism for this gene. At this time, the clinical significance of this variant is uncertain due to the absence of conclusive functional and genetic evidence.